The following is an entry in ClinVar:

ClinVar aggregate classification (germline): Uncertain significance (1 of 4 stars; one submission).

gnomAD v4.1: 1 of 1,613,632 alleles (0.000062%); highest among the groups gnomAD compares: Admixed American, 0.0017%; no homozygotes.

Submission:

Labcorp Genetics (formerly Invitae), Labcorp
Classification: Uncertain significance. Last evaluated: 2025-10-01. Review status: criteria provided, single submitter. Criteria: Invitae Variant Classification Sherloc (09022015). Collection method: clinical testing. Allele origin: germline.
Comment: This sequence change replaces glycine, which is neutral and non-polar, with arginine, which is basic and polar, at codon 920 of the SLC12A6 protein (p.Gly920Arg). This variant is not present in population databases (gnomAD no frequency). This variant has not been reported in the literature in individuals affected with SLC12A6-related conditions. Invitae Evidence Modeling of protein sequence and biophysical properties (such as structural, functional, and spatial information, amino acid conservation, physicochemical variation, residue mobility, and thermodynamic stability) indicates that this missense variant is expected to disrupt SLC12A6 protein function with a positive predictive value of 80%. In summary, the available evidence is currently insufficient to determine the role of this variant in disease. Therefore, it has been classified as a Variant of Uncertain Significance.

NM_001365088.1(SLC12A6):c.2758G>C (p.Gly920Arg)

Gene: SLC12A6 (solute carrier family 12 member 6; minus strand). Cytogenetic location: 15q14.
Variant type: single nucleotide variant.
Coding change: c.2758G>C on transcript NM_001365088.1 (MANE Select); coding-DNA position 2758, G replaced by C.
Protein change: p.Gly920Arg; replaces glycine 920 with arginine.
Molecular consequence: missense variant.
Genome position (GRCh38, 1-based): chr15:34,238,276, C>G on the plus strand (G>C on the coding strand, the complement: SLC12A6 is on the minus strand). VCF-style: chr15-34238276-C-G. GRCh37 (hg19) VCF-style: chr15-34530477-C-G.
Other names: c.2581G>C, p.Gly861Arg (NM_001042494.2, NM_001042495.2); c.2731G>C, p.Gly911Arg (NM_001042496.2); c.2713G>C, p.Gly905Arg (NM_001042497.2); c.2605G>C, p.Gly869Arg (NM_005135.2); c.2758G>C, p.Gly920Arg (NM_133647.2); short protein forms G905R, G861R, G869R, G920R, G911R.
Identifiers: ClinVar variation 4778918 (VCV004778918.1).
Genomic context (GRCh38, chr15:34,238,276, plus strand): 5'-AAGTTGTATAAAATACCTTGTGCTGTTTCAGTAGGAATGGTAGTAGCATAAGCATCCCCC[C>G]ATCATGCACAATCCACCACACATCAATGTTGCCCTCAGAAAATTGCTCCACATTGCTGGG-3'
Protein context (NP_001352017.1, residues 910-930): NIDVWWIVHD[Gly920Arg]GMLMLLPFLL